The following is an entry in ClinVar:

NC_000017.10:g.(?_17127226)_(17127467_?)dup

Gene: FLCN (folliculin; minus strand). Cytogenetic location: 17p11.2.
Variant type: Duplication.
Identifiers: ClinVar variation 1449742 (VCV001449742.6).

ClinVar aggregate classification (germline): Uncertain significance (1 of 4 stars; one submission).

Conditions:
Birt-Hogg-Dube syndrome. Also called: Birt Hogg Dubé syndrome. Identifiers: Orphanet 122, MedGen C0346010, MONDO:0800444.

Submission:

Labcorp Genetics (formerly Invitae), Labcorp
Classification: Uncertain significance for Birt-Hogg-Dube syndrome. Last evaluated: 2022-08-09. Review status: criteria provided, single submitter. Criteria: Invitae Variant Classification Sherloc (09022015). Collection method: clinical testing. Allele origin: germline.
Comment: This variant results in a copy number gain of the genomic region encompassing exon(s) 6 of the FLCN gene. While the exact position of this variant cannot be determined from the data, sub-genic copy number gains are generally in tandem (PMID: 25640679). This variant is predicted to be in-frame, and likely preserves the integrity of the reading frame. This variant has not been reported in the literature in individuals affected with FLCN-related conditions. Experimental studies and prediction algorithms are not available or were not evaluated, and the functional significance of this variant is currently unknown. In summary, the available evidence is currently insufficient to determine the role of this variant in disease. Therefore, it has been classified as a Variant of Uncertain Significance.

Literature cited by the submitters: PubMed 25640679.